The following is an entry in ClinVar:

NC_000017.11:g.32003295T>G

Gene: SUZ12 (SUZ12 polycomb repressive complex 2 subunit; plus strand). Cytogenetic location: 17q11.2.
Variant type: single nucleotide variant.
Genome position: GRCh38 VCF-style: chr17-32003295-T-G. GRCh37 (hg19) VCF-style: chr17-30330314-T-G.
Identifiers: ClinVar variation 2647652 (VCV002647652.24), dbSNP rs112531463, ClinGen allele CA289430763.

ClinVar aggregate classification (germline): Benign (1 of 4 stars; one submission).

Allele frequency attached by ClinVar (database versions not stated): 1000 Genomes Project 30x 0.00422; 1000 Genomes Project 0.00479; gnomAD exomes 0.00059; gnomAD 0.00359; TOPMed 0.00418.

Submission:

CeGaT Center for Human Genetics Tuebingen
Classification: Benign. Last evaluated: 2023-05-01. Review status: criteria provided, single submitter. Criteria: CeGaT Center For Human Genetics Tuebingen Variant Classification Criteria Version 2. Collection method: clinical testing. Allele origin: germline. Affected: yes. Observed: 1 variant allele.
Comment: SUZ12: BS1, BS2